The following is an entry in ClinVar:

ClinVar aggregate classification (germline): Conflicting classifications of pathogenicity. Review status: criteria provided, conflicting classifications (1 of 4 stars). 6 submissions from 6 submitters: Uncertain significance (4); Benign (1). 1 of the submissions does not count toward it. Last evaluated 2026-06-24.

Conditions:
Retinal dystrophy. Also called: Inherited retinal dystrophy. Identifiers: Orphanet 71862, MedGen C0854723, MeSH D058499, MONDO:0019118, HP:0000556.
Retinitis pigmentosa (RP). Identifiers: Orphanet 791, MedGen C0035334, MeSH D012174, MONDO:0019200, OMIM 268000. Inheritance: Autosomal dominant, autosomal recessive and X linked inheritance.
Retinitis pigmentosa 25 (RP25). Identifiers: Orphanet 791, MedGen C1864446, MONDO:0011272, OMIM 602772.
EYS-related disorder. Also called: EYS-related condition.

Allele frequency attached by ClinVar (database versions not stated): 1000 Genomes Project 0.00060; gnomAD 0.00001 and 0.00006; TOPMed 0.00002; ExAC 0.00003; gnomAD exomes 0.00004; 1000 Genomes Project 30x 0.00047.
gnomAD v4.1: 289 of 1,613,120 alleles (0.018%); highest among the groups gnomAD compares: East Asian, 0.64%; 5 homozygotes.

Submissions (6):

PreventionGenetics, part of Exact Sciences
Classification: Uncertain significance for EYS-related condition. Last evaluated: 2026-06-24. Review status: criteria provided, single submitter. Criteria: ACMG Guidelines, 2015. Collection method: clinical testing. Allele origin: germline.
Comment: The EYS c.1005G>T variant is predicted to result in the amino acid substitution p.Glu335Asp. To our knowledge, this variant has not been reported in the literature. This variant is reported in 0.049% of alleles in individuals of East Asian descent in gnomAD. At this time, the clinical significance of this variant is uncertain due to the absence of conclusive functional and genetic evidence.

Dept Of Ophthalmology, Nagoya University
Classification: Benign for Retinal dystrophy. Last evaluated: 2023-10-01. Review status: criteria provided, single submitter. Criteria: Submitter's publication. Collection method: research. Allele origin: germline. Affected: yes.

Blueprint Genetics
Classification: Uncertain significance. Last evaluated: 2022-11-03. Review status: criteria provided, single submitter. Criteria: ACMG Guidelines, 2015. Collection method: clinical testing. Allele origin: germline.

Labcorp Genetics (formerly Invitae), Labcorp
Classification: Uncertain significance. Last evaluated: 2022-09-27. Review status: criteria provided, single submitter. Criteria: Invitae Variant Classification Sherloc (09022015). Collection method: clinical testing. Allele origin: germline.
Comment: This sequence change replaces glutamic acid, which is acidic and polar, with aspartic acid, which is acidic and polar, at codon 335 of the EYS protein (p.Glu335Asp). This variant is present in population databases (rs80095433, gnomAD 0.04%). This variant has not been reported in the literature in individuals affected with EYS-related conditions. ClinVar contains an entry for this variant (Variation ID: 908048). Algorithms developed to predict the effect of missense changes on protein structure and function output the following: SIFT: "Tolerated"; PolyPhen-2: "Possibly Damaging"; Align-GVGD: "Class C15". The aspartic acid amino acid residue is found in multiple mammalian species, which suggests that this missense change does not adversely affect protein function. In summary, the available evidence is currently insufficient to determine the role of this variant in disease. Therefore, it has been classified as a Variant of Uncertain Significance.

Illumina Laboratory Services, Illumina
Classification: Uncertain significance for Retinitis pigmentosa. Last evaluated: 2017-04-27. Review status: criteria provided, single submitter. Criteria: ICSL Variant Classification Criteria 13 December 2019. Collection method: clinical testing. Allele origin: germline.
Comment: This variant was observed as part of a predisposition screen in an ostensibly healthy population. A literature search was performed for the gene, cDNA change, and amino acid change (where applicable). Publications were found based on this search. However, the evidence from the literature, in combination with allele frequency data from public databases where available, was not sufficient to rule this variant in or out of causing disease. Therefore, this variant is classified as a variant of unknown significance.

Natera, Inc.
Classification: Uncertain significance for Retinitis pigmentosa type 25. Last evaluated: 2020-10-21. Review status: no assertion criteria provided. Collection method: clinical testing. Allele origin: germline. Not counted in ClinVar's aggregate classification.

Literature cited by the submitters: PubMed 22363543 (cited by Illumina Laboratory Services, Illumina).

NM_001142800.2(EYS):c.1005G>T (p.Glu335Asp)

Gene: EYS (EGF-like photoreceptor maintenance factor; minus strand). Cytogenetic location: 6q12.
Variant type: single nucleotide variant.
Coding change: c.1005G>T on transcript NM_001142800.2 (MANE Select); coding-DNA position 1005, G replaced by T.
Protein change: p.Glu335Asp; replaces glutamic acid 335 with aspartic acid.
Molecular consequence: missense variant.
Genome position (GRCh38, 1-based): chr6:65,405,225, C>A on the plus strand (G>T on the coding strand, the complement: EYS is on the minus strand). VCF-style: chr6-65405225-C-A. GRCh37 (hg19) VCF-style: chr6-66115118-C-A.
Other names: c.1005G>T, p.Glu335Asp (NM_001142801.2, NM_001292009.2, NM_198283.2); short protein forms E335D.
Identifiers: ClinVar variation 908048 (VCV000908048.10), dbSNP rs80095433, ClinGen allele CA3877903.